The following is an entry in ClinVar:

ClinVar aggregate classification (germline): Benign/Likely benign. Review status: criteria provided, multiple submitters, no conflicts (2 of 4 stars). 2 submissions from 2 submitters: Benign (1); Likely benign (1). Last evaluated 2026-09-01.

Allele frequency attached by ClinVar (database versions not stated): TOPMed 0.00005; gnomAD 0.00025; ExAC 0.00069; 1000 Genomes Project 30x 0.00125; 1000 Genomes Project 0.00140.
gnomAD v4.1: 476 of 1,614,156 alleles (0.029%); highest among the groups gnomAD compares: South Asian, 0.48%; 4 homozygotes.

Submissions (3):

CeGaT Center for Human Genetics Tuebingen
Classification: Likely benign. Last evaluated: 2026-09-01. Review status: criteria provided, single submitter. Criteria: CeGaT Center For Human Genetics Tuebingen Variant Classification Criteria Version 2. Collection method: clinical testing. Allele origin: germline. Affected: yes. Observed: 2 variant alleles.
Comment: NAXD: BS2

Labcorp Genetics (formerly Invitae), Labcorp
Classification: Benign. Last evaluated: 2025-12-08. Review status: criteria provided, single submitter. Criteria: Invitae Variant Classification Sherloc (09022015). Collection method: clinical testing. Allele origin: germline.

Dr. Peter K. Rogan Lab, Western University
No classification provided (evidence only). Condition: Familial cancer of breast. Review status: no classification provided. Collection method: in vitro. Allele origin: not applicable. Functional consequence: skipped exon, retained intron. Not counted in ClinVar's aggregate classification.

NM_001242882.2(NAXD):c.493-7T>G

Gene: NAXD (NAD(P)HX dehydratase; plus strand). Cytogenetic location: 13q34.
Variant type: single nucleotide variant.
Coding change: c.493-7T>G on transcript NM_001242882.2 (MANE Select); 7 bases into the intron before coding-DNA position 493, T replaced by G.
Molecular consequence: intron variant.
Genome position (GRCh38, 1-based): chr13:110,634,665, T>G. VCF-style: chr13-110634665-T-G. GRCh37 (hg19) VCF-style: chr13-111287012-T-G.
Other names: c.217-7T>G (NM_001242883.2); c.547-7T>G (NM_018210.4, NM_001242881.2).
Identifiers: ClinVar variation 2057914 (VCV002057914.6), dbSNP rs376122865, ClinGen allele CA7051241.